The following is an entry in ClinVar:

NM_024426.6(WT1):c.384G>A (p.Ala128=)

Genes: WT1 (WT1 transcription factor; minus strand), LOC107982234 (WT1/WT1-AS bi-directional promoter region; plus strand). Cytogenetic location: 11p13.
Variant type: single nucleotide variant.
Coding change: c.384G>A on transcript NM_024426.6 (MANE Select); coding-DNA position 384, G replaced by A.
Protein change: p.Ala128=; no amino-acid change (alanine 128 retained).
Molecular consequence: synonymous variant. On other transcripts: non-coding transcript variant (2).
Genome position (GRCh38, 1-based): chr11:32,434,977, C>T on the plus strand (G>A on the coding strand, the complement: WT1 is on the minus strand). VCF-style: chr11-32434977-C-T. GRCh37 (hg19) VCF-style: chr11-32456523-C-T.
Other names: c.384G>A, p.Ala128= (NM_000378.6, NM_001407044.1, NM_001407045.1 and 6 more transcripts); c.369G>A, p.Ala123= (NM_024425.2).
Identifiers: ClinVar variation 2663084 (VCV002663084.4), dbSNP rs2133104077, ClinGen allele CA473773718.

ClinVar aggregate classification (germline): Conflicting classifications of pathogenicity. Review status: criteria provided, conflicting classifications (1 of 4 stars). 2 submissions from 2 submitters: Uncertain significance (1); Likely benign (1). Last evaluated 2023-05-08.

Conditions:
Drash syndrome (DDS). Also called: NEPHROPATHY, WILMS TUMOR, AND GENITAL ANOMALIES; WILMS TUMOR AND PSEUDO- OR TRUE HERMAPHRODITISM. Identifiers: Orphanet 220, MedGen C0950121, MONDO:0008682, OMIM 194080.
Frasier syndrome. Identifiers: Orphanet 347, MedGen C0950122, MeSH D052159, MONDO:0007635, OMIM 136680.
Wilms tumor 1 (WT1). Also called: Wilms tumor, somatic. Identifiers: Orphanet 654, MedGen CN033288, MONDO:0008679, OMIM 194070.
11p partial monosomy syndrome (WAGR). Also called: WAGR Complex; WAGR syndrome; CHROMOSOME 11p13 DELETION SYNDROME; WAGR Spectrum Disorder. Identifiers: Orphanet 893, MedGen C0206115, MONDO:0008681, OMIM 194072.

Submissions (2):

GeneDx
Classification: Uncertain significance. Last evaluated: 2023-05-08. Review status: criteria provided, single submitter. Criteria: GeneDx Variant Classification Process June 2021. Collection method: clinical testing. Allele origin: germline. Affected: yes.
Comment: Not observed at significant frequency in large population cohorts (gnomAD); In silico analysis supports that this variant does not alter splicing; Has not been previously published as pathogenic or benign to our knowledge

Labcorp Genetics (formerly Invitae), Labcorp
Classification: Likely benign for Wilms tumor 1; Drash syndrome; 11p partial monosomy syndrome; Frasier syndrome. Last evaluated: 2023-01-03. Review status: criteria provided, single submitter. Criteria: Invitae Variant Classification Sherloc (09022015). Collection method: clinical testing. Allele origin: germline.